The following is an entry in ClinVar:

NM_005215.4(DCC):c.779A>G (p.Glu260Gly)

Gene: DCC (DCC netrin 1 receptor; plus strand). Cytogenetic location: 18q21.2.
Variant type: single nucleotide variant.
Coding change: c.779A>G on transcript NM_005215.4 (MANE Select); coding-DNA position 779, A replaced by G.
Protein change: p.Glu260Gly; replaces glutamic acid 260 with glycine.
Molecular consequence: missense variant.
Genome position (GRCh38, 1-based): chr18:52,923,788, A>G. VCF-style: chr18-52923788-A-G. GRCh37 (hg19) VCF-style: chr18-50450158-A-G.
Other names: short protein forms E260G.
Identifiers: ClinVar variation 4832980 (VCV004832980.1).

ClinVar aggregate classification (germline): Uncertain significance (1 of 4 stars; one submission).

Conditions:
Inborn genetic diseases. Identifiers: MedGen C0950123, MeSH D030342.

Submission:

Ambry Genetics
Classification: Uncertain significance for Inborn genetic diseases. Last evaluated: 2026-02-26. Review status: criteria provided, single submitter. Criteria: Ambry Variant Classification Scheme 2023. Collection method: clinical testing. Allele origin: germline.
Comment: The c.779A>G (p.E260G) alteration is located in exon 4 (coding exon 4) of the DCC gene. This alteration results from a A to G substitution at nucleotide position 779, causing the glutamic acid (E) at amino acid position 260 to be replaced by a glycine (G). Based on data from gnomAD, the G allele has an overall frequency of <0.001% (0/250940) total alleles studied. The highest observed frequency was <0.001% (/) of alleles. Based on insufficient or conflicting evidence, the clinical significance of this alteration remains unclear.